The following is an entry in ClinVar:

ClinVar aggregate classification (germline): Uncertain significance. Review status: reviewed by expert panel (3 of 4 stars). 2 submissions from 2 submitters: Uncertain significance (1). 1 of the submissions does not count toward it. Last evaluated 2024-07-25.

Conditions:
Hereditary thrombocytopenia and hematologic cancer predisposition syndrome. Identifiers: Orphanet 71290, MedGen CN281654, MONDO:0011071.
Hereditary thrombocytopenia and hematological cancer predisposition syndrome associated with RUNX1. Also called: Familial thrombocytopenia with propensity to acute myelogenous leukemia; PLATELET DISORDER, ASPIRIN-LIKE; RUNX1 Familial Platelet Disorder with Associated Myeloid Malignancies; Familial Platelet Disorder with Propensity to Acute Myelogenous Leukemia. Identifiers: Orphanet 71290, MedGen C1832388, MeSH C563324, MONDO:0100083, OMIM 601399.

Submissions (2):

ClinGen Myeloid Malignancy Variant Curation Expert Panel
Classification: Uncertain significance for Hereditary thrombocytopenia and hematologic cancer predisposition syndrome. Last evaluated: 2024-07-25. Review status: reviewed by expert panel. Criteria: ClinGen MyeloMalig ACMG Specifications v2. Collection method: curation. Allele origin: germline. Inheritance: Autosomal dominant inheritance.
Comment: NM_001754.5(RUNX1):c.242T>C (p.Val81Ala) is a missense variant which is completely absent from all population databases with at least 20x coverage for RUNX1 in gnomAD v2.1.1 and v3.1.2 (PM2_supporting). This variant was reported in ClinVar in 2022 by Invitae, but the affected status of the proband is unknown (Variation ID 1024911). In summary, the clinical significance of this variant is uncertain. ACMG/AMP criteria applied, as specified by the Myeloid Malignancy Variant Curation Expert Panel for RUNX1: PM2_supporting.

Labcorp Genetics (formerly Invitae), Labcorp
Classification: Uncertain significance for Hereditary thrombocytopenia and hematological cancer predisposition syndrome associated with RUNX1. Last evaluated: 2022-01-26. Review status: criteria provided, single submitter. Criteria: Invitae Variant Classification Sherloc (09022015). Collection method: clinical testing. Allele origin: germline. Not counted in ClinVar's aggregate classification.
Comment: This variant has not been reported in the literature in individuals affected with RUNX1-related conditions. This variant is not present in population databases (gnomAD no frequency). This sequence change replaces valine, which is neutral and non-polar, with alanine, which is neutral and non-polar, at codon 81 of the RUNX1 protein (p.Val81Ala). ClinVar contains an entry for this variant (Variation ID: 1024911). In summary, the available evidence is currently insufficient to determine the role of this variant in disease. Therefore, it has been classified as a Variant of Uncertain Significance. Algorithms developed to predict the effect of missense changes on protein structure and function are either unavailable or do not agree on the potential impact of this missense change (SIFT: "Tolerated"; PolyPhen-2: "Probably Damaging"; Align-GVGD: "Class C0").

NM_001754.5(RUNX1):c.242T>C (p.Val81Ala)

Gene: RUNX1 (RUNX family transcription factor 1; minus strand). Cytogenetic location: 21q22.12.
Variant type: single nucleotide variant.
Coding change: c.242T>C on transcript NM_001754.5 (MANE Select); coding-DNA position 242, T replaced by C.
Protein change: p.Val81Ala; replaces valine 81 with alanine.
Molecular consequence: missense variant.
Genome position (GRCh38, 1-based): chr21:34,886,952, A>G on the plus strand (T>C on the coding strand, the complement: RUNX1 is on the minus strand). VCF-style: chr21-34886952-A-G. GRCh37 (hg19) VCF-style: chr21-36259249-A-G.
Other names: NM_001754.5(RUNX1):c.242T>C; p.Val81Ala; c.161T>C, p.Val54Ala (NM_001001890.3, NM_001122607.2); short protein forms V54A, V81A.
Identifiers: ClinVar variation 1024911 (VCV001024911.9), dbSNP rs1601528976, ClinGen allele CA410203818.